The following is an entry in ClinVar:

ClinVar aggregate classification (germline): Uncertain significance (1 of 4 stars; one submission).

Submission:

GeneDx
Classification: Uncertain significance. Last evaluated: 2019-10-28. Review status: criteria provided, single submitter. Criteria: GeneDx Variant Classification Process June 2021. Collection method: clinical testing. Allele origin: germline. Affected: yes.
Comment: Not observed in large population cohorts (Lek et al., 2016); The majority of missense variants in this gene are considered pathogenic (Stenson et al., 2014); In silico analysis, which includes protein predictors and evolutionary conservation, supports that this variant does not alter protein structure/function; Has not been previously published as pathogenic or benign to our knowledge

NM_024009.3(GJB3):c.736G>T (p.Val246Leu)

Gene: GJB3 (gap junction protein beta 3; plus strand). Cytogenetic location: 1p34.3.
Variant type: single nucleotide variant.
Coding change: c.736G>T on transcript NM_024009.3 (MANE Select); coding-DNA position 736, G replaced by T.
Protein change: p.Val246Leu; replaces valine 246 with leucine.
Molecular consequence: missense variant.
Genome position (GRCh38, 1-based): chr1:34,785,498, G>T. VCF-style: chr1-34785498-G-T. GRCh37 (hg19) VCF-style: chr1-35251099-G-T.
Other names: c.736G>T, p.Val246Leu (NM_001005752.2); short protein forms V246L.
Identifiers: ClinVar variation 1309748 (VCV001309748.2), dbSNP rs2148354654, ClinGen allele CA339316091.